The following is an entry in ClinVar:

NM_003664.5(AP3B1):c.129-18dup

Gene: AP3B1 (adaptor related protein complex 3 subunit beta 1; minus strand). Cytogenetic location: 5q14.1.
Variant type: Duplication.
Coding change: c.129-18dup on transcript NM_003664.5 (MANE Select); 18 bases into the intron before coding-DNA position 129, one base duplicated (T; older notation c.129-18dupT).
Molecular consequence: intron variant.
Genome position (GRCh38, 1-based): chr5:78,267,613, A duplicated on the plus strand (T on the coding strand, the reverse complement: AP3B1 is on the minus strand); the first of 8 consecutive A bases (chr5:78,267,613-78,267,620); duplicating any one gives the same sequence. VCF-style (leftmost placement, unchanged base first): chr5-78267612-G-GA. GRCh37 (hg19) VCF-style: chr5-77563436-G-GA.
Other names: c.-19-18dup (NM_001271769.2); c.129-18dupT (NM_003664.5).
Identifiers: ClinVar variation 1601407 (VCV001601407.10), dbSNP rs201281724, ClinGen allele CA3317451.

ClinVar aggregate classification (germline): Benign/Likely benign. Review status: criteria provided, multiple submitters, no conflicts (2 of 4 stars). 3 submissions from 3 submitters: Benign (2); Likely benign (1). Last evaluated 2026-06-18.

Conditions:
Hermansky-Pudlak syndrome 2 (HPS2). Also called: Platelet defects and oculocutaneous albinism. Identifiers: Orphanet 183678, Orphanet 79430, MedGen C1842362, MONDO:0011997, OMIM 608233.

Submissions (3):

Women's Health and Genetics/Laboratory Corporation of America, LabCorp
Classification: Benign. Last evaluated: 2026-06-18. Review status: criteria provided, single submitter. Criteria: LabCorp Variant Classification Summary - May 2015. Collection method: clinical testing. Allele origin: germline.
Comment: Variant summary: AP3B1 c.129-18dupT alters a nucleotide located at a position not widely known to affect splicing. Consensus agreement among computation tools predict no significant impact on normal splicing. However, these predictions have yet to be confirmed by functional studies. The variant allele was found at a frequency of 0.00027 in 238408 control chromosomes, predominantly at a frequency of 0.0032 within the African or African-American subpopulation in the gnomAD database. The observed variant frequency within African or African-American control individuals in the gnomAD database exceeds the estimated maximal expected allele frequency for disease-causing variants in AP3B1. To our knowledge, no occurrence of c.129-18dupT in individuals affected with AP3B1-related conditions and no experimental evidence demonstrating its impact on protein function have been reported. ClinVar contains an entry for this variant (Variation ID: 1601407). Based on the evidence outlined above, the variant was classified as benign.

Labcorp Genetics (formerly Invitae), Labcorp
Classification: Benign for Hermansky-Pudlak syndrome 2. Last evaluated: 2026-01-26. Review status: criteria provided, single submitter. Criteria: Invitae Variant Classification Sherloc (09022015). Collection method: clinical testing. Allele origin: germline.

Blueprint Genetics
Classification: Likely benign. Last evaluated: 2024-07-19. Review status: criteria provided, single submitter. Criteria: ACMG Guidelines, 2015. Collection method: clinical testing. Allele origin: germline.